The following is an entry in ClinVar:

ClinVar aggregate classification (germline): Uncertain significance (1 of 4 stars; one submission).

Conditions:
Leigh syndrome (NULS). Also called: Leigh's necrotizing encephalopathy; Leigh's disease; Leigh's syndrome; LEIGH SYNDROME, NUCLEAR; Leigh Syndrome (mtDNA deletion); Leigh Disease. Identifiers: Orphanet 506, MedGen C2931891, MONDO:0009723, OMIM 256000.

Submission:

Wong Mito Lab, Molecular and Human Genetics, Baylor College of Medicine
Classification: Uncertain significance for Leigh syndrome. Last evaluated: 2019-10-17. Review status: criteria provided, single submitter. Criteria: Modified ACMG Guidelines (Unpublished). Collection method: clinical testing. Allele origin: germline.
Comment: The NC_012920.1:m.15327C>T (YP_003024038.1:p.Thr194Met) variant in MTCYB gene is interpretated to be a Uncertain Significance variant based on the modified ACMG guidelines (unpublished). This variant meets the following evidence codes: BS1

NC_012920.1(MT-CYB):m.15327C>T

Gene: MT-CYB (mitochondrially encoded cytochrome b; plus strand).
Variant type: single nucleotide variant.
Genome position: chrM-15327-C-T.
Identifiers: ClinVar variation 693868 (VCV000693868.1), dbSNP rs1603225222, ClinGen allele CA913173565.